The following is an entry in ClinVar:

NC_000010.10:g.(71703935_71705426)_(71705481_71707062)del

Gene: COL13A1 (collagen type XIII alpha 1 chain; plus strand). Cytogenetic location: 10q22.1.
Variant type: Deletion.
Identifiers: ClinVar variation 4687136 (VCV004687136.1).

ClinVar aggregate classification (germline): Uncertain significance (1 of 4 stars; one submission).

Submission:

Women's Health and Genetics/Laboratory Corporation of America, LabCorp
Classification: Uncertain significance. Last evaluated: 2025-10-21. Review status: criteria provided, single submitter. Criteria: LabCorp Variant Classification Summary - May 2015. Collection method: clinical testing. Allele origin: germline.
Comment: Variant summary: The variant involves the deletion of exons 36 in the COL13A1 gene. A presumed nomenclature of c.(1935+1_1936-1)_(1989+1_1990-1)del has been designated for the purposes of this classification. This Copy Number Variant (CNV) is predicted to result in an in-frame deletion within this gene. Loss-of-function variants in this gene are known to be pathogenic. The variant allele was found at a frequency of 3.3e-05 in 120770 control chromosomes in the gnomAD database (Structural Variants v4.1 dataset). The available data on variant occurrences in the general population are insufficient to allow any conclusion about variant significance. To our knowledge, no occurrence of c.(1935+1_1936-1)_(1989+1_1990-1)del in individuals affected with COL13A1-related conditions and no experimental evidence demonstrating its impact on protein function have been reported. No submitters have cited clinical-significance assessments for this variant to ClinVar. Based on the evidence outlined above, the variant was classified as uncertain significance.